The following is an entry in ClinVar:

NM_174916.3(UBR1):c.109A>G (p.Thr37Ala)

Gene: UBR1 (ubiquitin protein ligase E3 component n-recognin 1; minus strand). Cytogenetic location: 15q15.2.
Variant type: single nucleotide variant.
Coding change: c.109A>G on transcript NM_174916.3 (MANE Select); coding-DNA position 109, A replaced by G.
Protein change: p.Thr37Ala; replaces threonine 37 with alanine.
Molecular consequence: missense variant.
Genome position (GRCh38, 1-based): chr15:43,086,213, T>C on the plus strand (A>G on the coding strand, the complement: UBR1 is on the minus strand). VCF-style: chr15-43086213-T-C. GRCh37 (hg19) VCF-style: chr15-43378411-T-C.
Other names: short protein forms T37A.
Identifiers: ClinVar variation 2177317 (VCV002177317.1), dbSNP rs749436984, ClinGen allele CA7519082.

ClinVar aggregate classification (germline): Uncertain significance (1 of 4 stars; one submission).

Allele frequency attached by ClinVar (database versions not stated): ExAC 0.00001; gnomAD 0.00001; TOPMed 0.00001; gnomAD exomes 0.00004.

Submission:

Labcorp Genetics (formerly Invitae), Labcorp
Classification: Uncertain significance. Last evaluated: 2022-08-06. Review status: criteria provided, single submitter. Criteria: Invitae Variant Classification Sherloc (09022015). Collection method: clinical testing. Allele origin: germline.
Comment: This sequence change replaces threonine, which is neutral and polar, with alanine, which is neutral and non-polar, at codon 37 of the UBR1 protein (p.Thr37Ala). This variant is present in population databases (rs749436984, gnomAD 0.003%). This variant has not been reported in the literature in individuals affected with UBR1-related conditions. Algorithms developed to predict the effect of missense changes on protein structure and function (SIFT, PolyPhen-2, Align-GVGD) all suggest that this variant is likely to be tolerated. In summary, the available evidence is currently insufficient to determine the role of this variant in disease. Therefore, it has been classified as a Variant of Uncertain Significance.